The following is an entry in ClinVar:

ClinVar aggregate classification (germline): Pathogenic (1 of 4 stars; one submission).

Conditions:
Familial thoracic aortic aneurysm and aortic dissection (TAAD). Also called: Thoracic aortic aneurysms and dissections. Identifiers: Orphanet 91387, MedGen C4707243, MONDO:0019625.
Marfan syndrome (MFS). Also called: Marfan syndrome type 1; Marfan syndrome, classic; Marfan's syndrome; FBN1-Related Marfan Syndrome; MARFAN SYNDROME, TYPE I. Identifiers: Orphanet 284963, Orphanet 558, MedGen C0024796, MONDO:0007947, OMIM 154700.

Submission:

Labcorp Genetics (formerly Invitae), Labcorp
Classification: Pathogenic for Marfan syndrome; Familial thoracic aortic aneurysm and aortic dissection. Last evaluated: 2017-11-15. Review status: criteria provided, single submitter. Criteria: Invitae Variant Classification Sherloc (09022015). Collection method: clinical testing. Allele origin: germline.
Comment: For these reasons, this variant has been classified as Pathogenic. Loss-of-function variants in FBN1 are known to be pathogenic (PMID: 17657824, 19293843). This variant has not been reported in the literature in individuals with FBN1-related disease. This variant is not present in population databases (ExAC no frequency). This sequence change creates a premature translational stop signal (p.Gly668Valfs*14) in the FBN1 gene. It is expected to result in an absent or disrupted protein product.

Literature cited by the submitters: PubMed 17657824; PubMed 19293843.

NM_000138.5(FBN1):c.2003delinsTGTAT (p.Gly668fs)

Gene: FBN1 (fibrillin 1; minus strand). Cytogenetic location: 15q21.1.
Variant type: Indel.
Coding change: c.2003delinsTGTAT on transcript NM_000138.5 (MANE Select); coding-DNA position 2003, G replaced by TGTAT.
Protein change: p.Gly668fs; shifts the reading frame from glycine 668.
Molecular consequence: frameshift variant.
Genome position (GRCh38, 1-based): chr15:48,503,897, C replaced by ATACA on the plus strand (G replaced by TGTAT on the coding strand, the reverse complement: FBN1 is on the minus strand). VCF-style: chr15-48503897-C-ATACA. GRCh37 (hg19) VCF-style: chr15-48796094-C-ATACA.
Other names: c.2003delGinsTGTAT (NM_000138.4); short protein forms G668fs.
Identifiers: ClinVar variation 527214 (VCV000527214.5), dbSNP rs1555399770, ClinGen allele CA658798347.
Genomic context (GRCh38, chr15:48,503,897, plus strand): 5'-GTGCTGGCGCAACAGCATTCAGATTTAGTGACAGCACCAAACAAAGGTTTGATACACTGG[C>ATACA]CTCTCTTGTATCCACCATAGCATGTGCTCCGCATGTGTGTGTCTAAACAGGAAGAAGCAT-3'